The following is an entry in ClinVar:

NC_000003.12:g.169765031C>T

Genes: TERC (telomerase RNA component; minus strand), LOC110806306 (telomerase RNA component (TERC) promoter; plus strand). Cytogenetic location: 3q26.2.
Variant type: single nucleotide variant.
Genome position: GRCh38 VCF-style: chr3-169765031-C-T. GRCh37 (hg19) VCF-style: chr3-169482819-C-T.
Identifiers: ClinVar variation 1356458 (VCV001356458.6), dbSNP rs954091557, ClinGen allele CA87624574.

ClinVar aggregate classification (germline): Uncertain significance (1 of 4 stars; one submission).

Conditions:
Dyskeratosis congenita, autosomal dominant 1 (DKCA1). Also called: Dyskeratosis congenita Scoggins type. Identifiers: Orphanet 1775, MedGen C4551974, MONDO:0007485, OMIM 127550. Inheritance: Variable.

Allele frequency attached by ClinVar (database versions not stated): gnomAD exomes below 0.00001; gnomAD 0.00001; TOPMed 0.00001.
gnomAD v4.1: 4 of 765,056 alleles (0.00052%); highest among the groups gnomAD compares: African/African-American, 0.0017%; no homozygotes.

Submission:

Labcorp Genetics (formerly Invitae), Labcorp
Classification: Uncertain significance for Dyskeratosis congenita, autosomal dominant 1. Last evaluated: 2022-04-17. Review status: criteria provided, single submitter. Criteria: Invitae Variant Classification Sherloc (09022015). Collection method: clinical testing. Allele origin: germline.
Comment: This variant occurs in the TERC gene, which encodes an RNA molecule that does not result in a protein product. This variant is present in population databases (no rsID available, gnomAD 0.003%). This variant has not been reported in the literature in individuals affected with TERC-related conditions. This variant is located at the 5’ end of the TERC RNA component (PMID: 15082312, 21844345). The functional significance of this region is not well understood. In summary, the available evidence is currently insufficient to determine the role of this variant in disease. Therefore, it has been classified as a Variant of Uncertain Significance.

Literature cited by the submitters: PubMed 15082312; PubMed 21844345.